The following is an entry in ClinVar:

ClinVar aggregate classification (germline): Benign/Likely benign. Review status: criteria provided, multiple submitters, no conflicts (2 of 4 stars). 3 submissions from 3 submitters: Benign (1); Likely benign (2). Last evaluated 2024-05-13.

Conditions:
Hereditary cancer-predisposing syndrome. Also called: Tumor predisposition; Hereditary neoplastic syndrome; Hereditary Cancer Syndrome; Neoplastic Syndromes, Hereditary. Identifiers: Orphanet 140162, MedGen C0027672, MeSH D009386, MONDO:0015356.
Hereditary breast ovarian cancer syndrome. Also called: Hereditary breast and ovarian cancer; Hereditary breast and ovarian cancer syndrome; Hereditary breast and/or ovarian cancer syndrome; BRCA1- and BRCA2-Associated Hereditary Breast and Ovarian Cancer; Hereditary breast and ovarian cancer syndrome (HBOC); Breast and ovarian cancer. Identifiers: Orphanet 145, MedGen C0677776, MeSH D061325, MONDO:0003582. Disease mechanism: loss of function.

Allele frequency attached by ClinVar (database versions not stated): gnomAD exomes 0.00003 and 0.00019; gnomAD 0.00004 and 0.00007; TOPMed 0.00007; ExAC 0.00025.

Submissions (3):

Labcorp Genetics (formerly Invitae), Labcorp
Classification: Benign for Hereditary breast ovarian cancer syndrome. Last evaluated: 2024-05-13. Review status: criteria provided, single submitter. Criteria: Invitae Variant Classification Sherloc (09022015). Collection method: clinical testing. Allele origin: germline.

Sema4
Classification: Likely benign for Hereditary cancer-predisposing syndrome. Last evaluated: 2021-10-05. Review status: criteria provided, single submitter. Criteria: Sema4 Curation Guidelines. Collection method: curation. Allele origin: germline.

GeneDx
Classification: Likely benign. Last evaluated: 2019-04-04. Review status: criteria provided, single submitter. Criteria: GeneDx Variant Classification Process June 2021. Collection method: clinical testing. Allele origin: germline. Affected: yes.
Comment: This variant is associated with the following publications: (PMID: 28664506)

Literature cited by the submitters: PubMed 28664506 (cited by Sema4).

NM_007294.4(BRCA1):c.4096+98_4096+102del

Genes: BRCA1 (BRCA1 DNA repair associated; minus strand), LOC126862571 (BRD4-independent group 4 enhancer GRCh37_chr17:41243136-41244335; plus strand). Cytogenetic location: 17q21.31.
Variant type: Deletion.
Coding change: c.4096+98_4096+102del on transcript NM_007294.4 (MANE Select); bases 98 to 102 of the intron after coding-DNA position 4096, 5 bases deleted (TAGTT; older notation c.4096+98_4096+102delTAGTT).
Molecular consequence: intron variant.
Genome position (GRCh38, 1-based): chr17:43,091,333-43,091,337, AACTA deleted on the plus strand (TAGTT on the coding strand, the reverse complement: BRCA1 is on the minus strand). VCF-style (leftmost placement, unchanged base first): chr17-43091332-TAACTA-T. GRCh37 (hg19) VCF-style: chr17-41243349-TAACTA-T.
Other names: c.4096+98_4096+102del (NM_001407598.1, NM_001407618.1, NM_001407603.1 and 30 more transcripts); c.578-305_578-301del (NM_001408492.1, NM_001408513.1, NM_001408481.1 and 9 more transcripts); c.644-305_644-301del (NM_001408468.1, NM_001408470.1, NM_001408464.1 and 3 more transcripts); c.3952+98_3952+102del (NM_001407842.1, NM_001407749.1, NM_001407846.1 and 20 more transcripts); c.3886+98_3886+102del (NM_001407889.1, NM_001407885.1, NM_001407886.1 and 13 more transcripts); c.647-305_647-301del (NM_001408455.1, NM_001408458.1, NM_001408469.1 and 11 more transcripts); c.3955+98_3955+102del (NM_001407731.1, NM_001407695.1, NM_001407726.1 and 29 more transcripts); c.524-305_524-301del (NM_001408501.1, NM_001408498.1, NM_001408500.1 and 3 more transcripts); and 41 more.
Identifiers: ClinVar variation 1170582 (VCV001170582.12), dbSNP rs750547789, ClinGen allele CA058897.